The following is an entry in ClinVar:

ClinVar aggregate classification (germline): Uncertain significance (1 of 4 stars; one submission).

Submission:

Labcorp Genetics (formerly Invitae), Labcorp
Classification: Uncertain significance. Last evaluated: 2023-05-21. Review status: criteria provided, single submitter. Criteria: Invitae Variant Classification Sherloc (09022015). Collection method: clinical testing. Allele origin: germline.
Comment: In summary, the available evidence is currently insufficient to determine the role of this variant in disease. Therefore, it has been classified as a Variant of Uncertain Significance. Advanced modeling of protein sequence and biophysical properties (such as structural, functional, and spatial information, amino acid conservation, physicochemical variation, residue mobility, and thermodynamic stability) performed at Invitae indicates that this missense variant is not expected to disrupt KAT6A protein function. This sequence change replaces valine, which is neutral and non-polar, with leucine, which is neutral and non-polar, at codon 610 of the KAT6A protein (p.Val610Leu). This variant is not present in population databases (gnomAD no frequency). This variant has not been reported in the literature in individuals affected with KAT6A-related conditions.

NM_006766.5(KAT6A):c.1828G>T (p.Val610Leu)

Gene: KAT6A (lysine acetyltransferase 6A; minus strand). Cytogenetic location: 8p11.21.
Variant type: single nucleotide variant.
Coding change: c.1828G>T on transcript NM_006766.5 (MANE Select); coding-DNA position 1828, G replaced by T.
Protein change: p.Val610Leu; replaces valine 610 with leucine.
Molecular consequence: missense variant.
Genome position (GRCh38, 1-based): chr8:41,947,825, C>A on the plus strand (G>T on the coding strand, the complement: KAT6A is on the minus strand). VCF-style: chr8-41947825-C-A. GRCh37 (hg19) VCF-style: chr8-41805343-C-A.
Other names: c.1828G>T, p.Val610Leu (NM_001305878.2); short protein forms V610L.
Identifiers: ClinVar variation 2866705 (VCV002866705.3), dbSNP rs749310377, ClinGen allele CA371073905.